The following is an entry in ClinVar:

NM_000384.3(APOB):c.6965T>G (p.Ile2322Arg)

Gene: APOB (apolipoprotein B; minus strand). Cytogenetic location: 2p24.1.
Variant type: single nucleotide variant.
Coding change: c.6965T>G on transcript NM_000384.3 (MANE Select); coding-DNA position 6965, T replaced by G.
Protein change: p.Ile2322Arg; replaces isoleucine 2322 with arginine.
Molecular consequence: missense variant.
Genome position (GRCh38, 1-based): chr2:21,009,903, A>C on the plus strand (T>G on the coding strand, the complement: APOB is on the minus strand). VCF-style: chr2-21009903-A-C. GRCh37 (hg19) VCF-style: chr2-21232775-A-C.
Other names: short protein forms I2322R.
Identifiers: ClinVar variation 3907807 (VCV003907807.1).

ClinVar aggregate classification (germline): Uncertain significance (1 of 4 stars; one submission).

gnomAD v4.1: 28 of 1,613,914 alleles (0.0017%); highest among the groups gnomAD compares: East Asian, 0.06%; no homozygotes.

Submission:

GeneDx
Classification: Uncertain significance. Last evaluated: 2024-12-23. Review status: criteria provided, single submitter. Criteria: GeneDx Variant Classification Process June 2021. Collection method: clinical testing. Allele origin: germline. Affected: yes.
Comment: Not observed at significant frequency in large population cohorts (gnomAD); In silico analysis supports that this missense variant has a deleterious effect on protein structure/function; Has not been previously published as pathogenic or benign to our knowledge